The following is an entry in ClinVar:

ClinVar aggregate classification (germline): Benign/Likely benign. Review status: criteria provided, multiple submitters, no conflicts (2 of 4 stars). 3 submissions from 3 submitters: Benign (1); Likely benign (2). Last evaluated 2024-10-03.

Conditions:
Familial cancer of breast. Also called: BREAST CANCER, FAMILIAL; hereditary breast carcinoma; Hereditary breast cancer. Identifiers: Orphanet 227535, MedGen C0346153, MONDO:0016419, OMIM 114480. Disease mechanism: loss of function.
Hereditary cancer-predisposing syndrome. Also called: Neoplastic Syndromes, Hereditary; Hereditary Cancer Syndrome; Tumor predisposition; Hereditary neoplastic syndrome. Identifiers: Orphanet 140162, MedGen C0027672, MeSH D009386, MONDO:0015356.

Allele frequency attached by ClinVar (database versions not stated): gnomAD exomes below 0.00001.
gnomAD v4.1: 1 of 1,550,912 alleles (0.000064%); highest among the groups gnomAD compares: Non-Finnish European, 0.000089%; no homozygotes.

Submissions (3):

Myriad Genetics, Inc.
Classification: Benign for Familial cancer of breast. Last evaluated: 2024-10-03. Review status: criteria provided, single submitter. Criteria: Myriad Autosomal Dominant, Autosomal Recessive and X-Linked Classification Criteria (2023). Collection method: clinical testing. Allele origin: unknown.
Comment: This variant is considered benign. This variant is a silent/synonymous amino acid change and it is not expected to impact splicing.

Ambry Genetics
Classification: Likely benign for Hereditary cancer-predisposing syndrome. Last evaluated: 2024-03-13. Review status: criteria provided, single submitter. Criteria: Ambry Variant Classification Scheme 2023. Collection method: clinical testing. Allele origin: germline.

Labcorp Genetics (formerly Invitae), Labcorp
Classification: Likely benign for Familial cancer of breast. Last evaluated: 2021-09-16. Review status: criteria provided, single submitter. Criteria: Invitae Variant Classification Sherloc (09022015). Collection method: clinical testing. Allele origin: germline.

NM_007194.4(CHEK2):c.882A>G (p.Ala294=)

Gene: CHEK2 (checkpoint kinase 2; minus strand). Cytogenetic location: 22q12.1.
Variant type: single nucleotide variant.
Coding change: c.882A>G on transcript NM_007194.4 (MANE Select); coding-DNA position 882, A replaced by G.
Protein change: p.Ala294=; no amino-acid change (alanine 294 retained).
Molecular consequence: synonymous variant.
Genome position (GRCh38, 1-based): chr22:28,703,531, T>C on the plus strand (A>G on the coding strand, the complement: CHEK2 is on the minus strand). VCF-style: chr22-28703531-T-C. GRCh37 (hg19) VCF-style: chr22-29099519-T-C.
Other names: c.1011A>G, p.Ala337= (NM_001005735.3); c.219A>G, p.Ala73= (NM_001257387.3); c.681A>G, p.Ala227= (NM_001349956.3); c.882A>G, p.Ala294= (NM_145862.3).
Identifiers: ClinVar variation 1552265 (VCV001552265.11), dbSNP rs2052978138, ClinGen allele CA513945080.